The following is an entry in ClinVar:

NM_001367624.2(ZNF469):c.6880G>A (p.Gly2294Arg)

Gene: ZNF469 (zinc finger protein 469; plus strand). Cytogenetic location: 16q24.2.
Variant type: single nucleotide variant.
Coding change: c.6880G>A on transcript NM_001367624.2 (MANE Select); coding-DNA position 6880, G replaced by A.
Protein change: p.Gly2294Arg; replaces glycine 2294 with arginine.
Molecular consequence: missense variant.
Genome position (GRCh38, 1-based): chr16:88,434,350, G>A. VCF-style: chr16-88434350-G-A. GRCh37 (hg19) VCF-style: chr16-88500758-G-A.
Other names: NM_001127464.1:c.6796G>A; short protein forms G2294R.
Identifiers: ClinVar variation 419985 (VCV000419985.21), dbSNP rs773187176, ClinGen allele CA8225191.

ClinVar aggregate classification (germline): Uncertain significance. Review status: criteria provided, multiple submitters, no conflicts (2 of 4 stars). 5 submissions from 5 submitters: Uncertain significance (5). Last evaluated 2025-02-01.

Conditions:
Brittle cornea syndrome 1 (BCS1). Also called: DYSGENESIS MESODERMALIS CORNEAE ET SCLERAE; CORNEAL FRAGILITY, KERATOGLOBUS, BLUE SCLERAE, JOINT HYPEREXTENSIBILITY; EDS6B; FRAGILITAS OCULI WITH JOINT HYPEREXTENSIBILITY; Corneal fragility keratoglobus, blue sclerae AND joint hypermobility. Identifiers: Orphanet 90354, MedGen C0268344, MONDO:0024543, OMIM 229200.

Allele frequency attached by ClinVar (database versions not stated): gnomAD exomes 0.00003 and 0.00004; TOPMed 0.00003; gnomAD 0.00005 and 0.00006; ExAC 0.00012.
gnomAD v4.1: 66 of 1,550,044 alleles (0.0043%); highest among the groups gnomAD compares: African/African-American, 0.0082%; no homozygotes.

Submissions (5):

CeGaT Center for Human Genetics Tuebingen
Classification: Uncertain significance. Last evaluated: 2025-02-01. Review status: criteria provided, single submitter. Criteria: CeGaT Center For Human Genetics Tuebingen Variant Classification Criteria Version 2. Collection method: clinical testing. Allele origin: germline. Affected: yes. Observed: 1 variant allele.
Comment: ZNF469: PM2, BP4

Pittsburgh Clinical Genomics Laboratory, University of Pittsburgh Medical Center
Classification: Uncertain significance for Brittle cornea syndrome 1. Last evaluated: 2023-03-21. Review status: criteria provided, single submitter. Criteria: ACMG Guidelines, 2015. Collection method: clinical testing. Allele origin: germline. Inheritance: Autosomal recessive inheritance. Affected: yes.
Comment: This sequence variant is a single nucleotide substitution (G>A) at coding position 6880 of the ZNF469 gene that results in a glycine to arginine amino acid change at residue 2294 of the ZNF469 protein. This is a previously reported variant (ClinVar) that has not been observed in the literature in individuals with ZNF469-related illness, to our knowledge. This variant is present in the gnomAD population database (5 of 182496 or 0.0027%). Bioinformatic tools predict that this variant would be tolerated, and this amino acid residue is not well conserved across the mammalian species examined. Functiol studies testing the effect of this variant have not been performed, to our knowledge. At this time, there is insufficient evidence to determine if this variant is pathogenic or benign. Therefore, we consider this to be a variant of uncertain significance. ACMG Criteria: BP1, BP4, PM2

Women's Health and Genetics/Laboratory Corporation of America, LabCorp
Classification: Uncertain significance. Last evaluated: 2022-10-29. Review status: criteria provided, single submitter. Criteria: LabCorp Variant Classification Summary - May 2015. Collection method: clinical testing. Allele origin: germline.
Comment: Variant summary: ZNF469 c.6880G>A (p.Gly2294Arg), also known as c.6796G>A (p.Gly2266Arg), results in a non-conservative amino acid change in the encoded protein sequence. Three of four in-silico tools predict a benign effect of the variant on protein function. The variant allele was found at a frequency of 2.6e-05 in 151150 control chromosomes (gnomAD). The available data on variant occurrences in the general population are insufficient to allow any conclusion about variant significance. c.6880G>A has been reported in the literature in individuals affected with Keratoconus (Vincent_2014) and Inherited Corneal Disease (Li_2021). These reports do not provide unequivocal conclusions about association of the variant with Brittle Cornea Syndrome 1. To our knowledge, no experimental evidence demonstrating an impact on protein function has been reported. Two ClinVar submitters have assessed the variant since 2014: both classified the variant as uncertain significance. Based on the evidence outlined above, the variant was classified as uncertain significance.

Labcorp Genetics (formerly Invitae), Labcorp
Classification: Uncertain significance. Last evaluated: 2021-08-19. Review status: criteria provided, single submitter. Criteria: Invitae Variant Classification Sherloc (09022015). Collection method: clinical testing. Allele origin: germline.
Comment: This sequence change replaces glycine with arginine at codon 2266 of the ZNF469 protein (p.Gly2266Arg). The glycine residue is weakly conserved and there is a moderate physicochemical difference between glycine and arginine. This variant is present in population databases (rs773187176, ExAC 0.03%). This missense change has been observed in individual(s) with keratoconus (PMID: 25097247). Algorithms developed to predict the effect of missense changes on protein structure and function (SIFT, PolyPhen-2, Align-GVGD) all suggest that this variant is likely to be tolerated. Algorithms developed to predict the effect of sequence changes on RNA splicing suggest that this variant may create or strengthen a splice site. In summary, the available evidence is currently insufficient to determine the role of this variant in disease. Therefore, it has been classified as a Variant of Uncertain Significance.

GeneDx
Classification: Uncertain significance. Last evaluated: 2019-09-16. Review status: criteria provided, single submitter. Criteria: GeneDx Variant Classification Process June 2021. Collection method: clinical testing. Allele origin: germline. Affected: yes.
Comment: Not observed at a significant frequency in large population cohorts (Lek et al., 2016); In silico analysis, which includes protein predictors and evolutionary conservation, supports that this variant does not alter protein structure/function; This variant is associated with the following publications: (PMID: 29111844, 25097247)

Literature cited by the submitters: PubMed 33816482 (cited by Women's Health and Genetics/Laboratory Corporation of America, LabCorp); PubMed 25097247 (cited by Women's Health and Genetics/Laboratory Corporation of America, LabCorp and Labcorp Genetics (formerly Invitae), Labcorp).